The following is an entry in ClinVar:

ClinVar aggregate classification (germline): Uncertain significance. Review status: criteria provided, multiple submitters, no conflicts (2 of 4 stars). 3 submissions from 3 submitters: Uncertain significance (3). Last evaluated 2025-05-11.

Conditions:
Hereditary cancer-predisposing syndrome. Also called: Neoplastic Syndromes, Hereditary; Hereditary Cancer Syndrome; Tumor predisposition; Hereditary neoplastic syndrome. Identifiers: Orphanet 140162, MedGen C0027672, MeSH D009386, MONDO:0015356.
Microcephaly, normal intelligence and immunodeficiency (NBS). Also called: IMMUNODEFICIENCY, MICROCEPHALY, AND CHROMOSOMAL INSTABILITY; Ataxia telangiectasia variant V1; Immunodeficiency, microcephaly with normal intelligence; SEEMANOVA SYNDROME II; Nijmegen breakage syndrome; Microcephaly with normal intelligence immunodeficiency and lymphoreticular malignancies. Identifiers: Orphanet 647, MedGen C0398791, MONDO:0009623, OMIM 251260.

Submissions (3):

Ambry Genetics
Classification: Uncertain significance for Hereditary cancer-predisposing syndrome. Last evaluated: 2025-05-11. Review status: criteria provided, single submitter. Criteria: Ambry Variant Classification Scheme 2023. Collection method: clinical testing. Allele origin: germline.
Comment: The p.E559K variant (also known as c.1675G>A), located in coding exon 11 of the NBN gene, results from a G to A substitution at nucleotide position 1675. The glutamic acid at codon 559 is replaced by lysine, an amino acid with similar properties. This amino acid position is conserved. In addition, this alteration is predicted to be tolerated by in silico analysis. Based on the available evidence, the clinical significance of this variant remains unclear.

Labcorp Genetics (formerly Invitae), Labcorp
Classification: Uncertain significance for Microcephaly, normal intelligence and immunodeficiency. Last evaluated: 2023-09-04. Review status: criteria provided, single submitter. Criteria: Invitae Variant Classification Sherloc (09022015). Collection method: clinical testing. Allele origin: germline.
Comment: In summary, the available evidence is currently insufficient to determine the role of this variant in disease. Therefore, it has been classified as a Variant of Uncertain Significance. An algorithm developed to predict the effect of missense changes on protein structure and function (PolyPhen-2) suggests that this variant is likely to be disruptive. ClinVar contains an entry for this variant (Variation ID: 1313751). This variant has not been reported in the literature in individuals affected with NBN-related conditions. This variant is not present in population databases (gnomAD no frequency). This sequence change replaces glutamic acid, which is acidic and polar, with lysine, which is basic and polar, at codon 559 of the NBN protein (p.Glu559Lys).

GeneDx
Classification: Uncertain significance. Last evaluated: 2020-12-18. Review status: criteria provided, single submitter. Criteria: GeneDx Variant Classification Process June 2021. Collection method: clinical testing. Allele origin: germline. Affected: yes.
Comment: Not observed in large population cohorts (Lek 2016); In silico analysis supports that this missense variant does not alter protein structure/function; Has not been previously published as pathogenic or benign to our knowledge

NM_002485.5(NBN):c.1675G>A (p.Glu559Lys)

Gene: NBN (nibrin; minus strand). Cytogenetic location: 8q21.3.
Variant type: single nucleotide variant.
Coding change: c.1675G>A on transcript NM_002485.5 (MANE Select); coding-DNA position 1675, G replaced by A.
Protein change: p.Glu559Lys; replaces glutamic acid 559 with lysine.
Molecular consequence: missense variant.
Genome position (GRCh38, 1-based): chr8:89,953,414, C>T on the plus strand (G>A on the coding strand, the complement: NBN is on the minus strand). VCF-style: chr8-89953414-C-T. GRCh37 (hg19) VCF-style: chr8-90965642-C-T.
Other names: c.1429G>A, p.Glu477Lys (NM_001024688.3); short protein forms E477K, E559K.
Identifiers: ClinVar variation 1313751 (VCV001313751.6), dbSNP rs2129698794, ClinGen allele CA371655347.